The following is an entry in ClinVar:

ClinVar aggregate classification (germline): Uncertain significance (1 of 4 stars; one submission).

Conditions:
Inborn genetic diseases. Identifiers: MedGen C0950123, MeSH D030342.

Submission:

Ambry Genetics
Classification: Uncertain significance for Inborn genetic diseases. Last evaluated: 2022-06-30. Review status: criteria provided, single submitter. Criteria: Ambry Variant Classification Scheme 2023. Collection method: clinical testing. Allele origin: germline.
Comment: The c.4461A>T (p.Q1487H) alteration is located in exon 27 (coding exon 25) of the KMT2E gene. This alteration results from a A to T substitution at nucleotide position 4461, causing the glutamine (Q) at amino acid position 1487 to be replaced by a histidine (H). This variant was not reported in population-based cohorts in the Genome Aggregation Database (gnomAD). This amino acid position is well conserved in available vertebrate species. This alteration is predicted to be tolerated by in silico analysis. Based on insufficient or conflicting evidence, the clinical significance of this alteration remains unclear.

NM_182931.3(KMT2E):c.4461A>T (p.Gln1487His)

Gene: KMT2E (lysine methyltransferase 2E (inactive); plus strand). Cytogenetic location: 7q22.3.
Variant type: single nucleotide variant.
Coding change: c.4461A>T on transcript NM_182931.3 (MANE Select); coding-DNA position 4461, A replaced by T.
Protein change: p.Gln1487His; replaces glutamine 1487 with histidine.
Molecular consequence: missense variant.
Genome position (GRCh38, 1-based): chr7:105,112,217, A>T. VCF-style: chr7-105112217-A-T. GRCh37 (hg19) VCF-style: chr7-104752664-A-T.
Other names: c.4335A>T, p.Gln1445His (NM_001410908.1); c.4461A>T, p.Gln1487His (NM_018682.4); short protein forms Q1445H, Q1487H.
Identifiers: ClinVar variation 2293415 (VCV002293415.2), dbSNP rs947745585, ClinGen allele CA368792721.